The following is an entry in ClinVar:

ClinVar aggregate classification (germline): Uncertain significance (1 of 4 stars; one submission).

Submission:

Labcorp Genetics (formerly Invitae), Labcorp
Classification: Uncertain significance. Last evaluated: 2024-12-17. Review status: criteria provided, single submitter. Criteria: Invitae Variant Classification Sherloc (09022015). Collection method: clinical testing. Allele origin: germline.
Comment: This variant, c.1411_1413del, results in the deletion of 1 amino acid(s) of the KLF11 protein (p.Lys471del), but otherwise preserves the integrity of the reading frame. This variant is present in population databases (no rsID available, gnomAD 0.0009%). This variant has not been reported in the literature in individuals affected with KLF11-related conditions. Experimental studies and prediction algorithms are not available or were not evaluated, and the functional significance of this variant is currently unknown. In summary, the available evidence is currently insufficient to determine the role of this variant in disease. Therefore, it has been classified as a Variant of Uncertain Significance.

NM_003597.5(KLF11):c.1411_1413del (p.Lys471del)

Gene: KLF11 (KLF transcription factor 11; plus strand). Cytogenetic location: 2p25.1.
Variant type: Deletion.
Coding change: c.1411_1413del on transcript NM_003597.5 (MANE Select); coding-DNA positions 1411 to 1413, 3 bases deleted (AAG; older notation c.1411_1413delAAG).
Protein change: p.Lys471del; deletes lysine 471.
Molecular consequence: inframe deletion.
Genome position (GRCh38, 1-based): chr2:10,052,379-10,052,381, AAG deleted; deleting any 3 consecutive bases within chr2:10,052,378-10,052,381 gives the same sequence; the c. name uses the placement nearest the transcript's 3' end. VCF-style (leftmost placement, unchanged base first): chr2-10052377-CGAA-C. GRCh37 (hg19) VCF-style: chr2-10192504-CGAA-C.
Other names: c.1360_1362del, p.Lys454del (NM_001177716.2, NM_001177718.2); short protein forms K454del, K471del.
Identifiers: ClinVar variation 3605426 (VCV003605426.2).
Genomic context (GRCh38, chr2:10,052,377, plus strand): 5'-GGGAGAAGAAGTTTGTGTGCCCGGTGTGTGACCGACGTTTCATGCGCAGTGACCACCTGA[CGAA>C]GCATGCCCGGCGCCACATGACGACCAAGAAGATCCCAGGCTGGCAGGCAGAGGTTGGCAA-3'